The following is an entry in ClinVar:

NM_022436.3(ABCG5):c.383G>C (p.Cys128Ser)

Gene: ABCG5 (ATP binding cassette subfamily G member 5; minus strand). Cytogenetic location: 2p21.
Variant type: single nucleotide variant.
Coding change: c.383G>C on transcript NM_022436.3 (MANE Select); coding-DNA position 383, G replaced by C.
Protein change: p.Cys128Ser; replaces cysteine 128 with serine.
Molecular consequence: missense variant.
Genome position (GRCh38, 1-based): chr2:43,831,966, C>G on the plus strand (G>C on the coding strand, the complement: ABCG5 is on the minus strand). VCF-style: chr2-43831966-C-G. GRCh37 (hg19) VCF-style: chr2-44059105-C-G.
Other names: short protein forms C128S.
Identifiers: ClinVar variation 2564001 (VCV002564001.2), dbSNP rs1461341406, ClinGen allele CA346667918.

ClinVar aggregate classification (germline): Uncertain significance (1 of 4 stars; one submission).

Conditions:
Cardiovascular phenotype. Identifiers: MedGen CN230736.

Allele frequency attached by ClinVar (database versions not stated): TOPMed below 0.00001.
gnomAD v4.1: 2 of 1,550,928 alleles (0.00013%); highest among the groups gnomAD compares: Non-Finnish European, 0.00017%; no homozygotes.

Submission:

Ambry Genetics
Classification: Uncertain significance for Cardiovascular phenotype. Last evaluated: 2023-03-16. Review status: criteria provided, single submitter. Criteria: Ambry Variant Classification Scheme 2023. Collection method: clinical testing. Allele origin: germline.
Comment: The p.C128S variant (also known as c.383G>C), located in coding exon 3 of the ABCG5 gene, results from a G to C substitution at nucleotide position 383. The cysteine at codon 128 is replaced by serine, an amino acid with dissimilar properties. This amino acid position is conserved. In addition, this alteration is predicted to be deleterious by in silico analysis. Since supporting evidence is limited at this time, the clinical significance of this alteration remains unclear.